The following is an entry in ClinVar:

ClinVar aggregate classification (germline): Uncertain significance. Review status: criteria provided, multiple submitters, no conflicts (2 of 4 stars). 3 submissions from 3 submitters: Uncertain significance (3). Last evaluated 2025-01-23.

Conditions:
Hereditary cancer-predisposing syndrome. Also called: Hereditary Cancer Syndrome; Hereditary neoplastic syndrome; Neoplastic Syndromes, Hereditary; Tumor predisposition. Identifiers: Orphanet 140162, MedGen C0027672, MeSH D009386, MONDO:0015356.
Retinoblastoma (RB1). Also called: RETINOBLASTOMA, SOMATIC. Identifiers: Orphanet 790, MedGen C0035335, MeSH D012175, MONDO:0008380, OMIM 180200, HP:0009919. Disease mechanism: loss of function. Inheritance: Both sporadic and heritable forms are tested..

Allele frequency attached by ClinVar (database versions not stated): gnomAD exomes below 0.00001.
gnomAD v4.1: 3 of 1,604,812 alleles (0.00019%); highest among the groups gnomAD compares: Non-Finnish European, 0.00026%; no homozygotes.

Submissions (3):

Ambry Genetics
Classification: Uncertain significance for Hereditary cancer-predisposing syndrome. Last evaluated: 2025-01-23. Review status: criteria provided, single submitter. Criteria: Ambry Variant Classification Scheme 2023. Collection method: clinical testing. Allele origin: germline.
Comment: The p.R763K variant (also known as c.2288G>A), located in coding exon 22 of the RB1 gene, results from a G to A substitution at nucleotide position 2288. The arginine at codon 763 is replaced by lysine, an amino acid with highly similar properties. This amino acid position is conserved. In addition, this alteration is predicted to be tolerated by in silico analysis. Since supporting evidence is limited at this time, the clinical significance of this alteration remains unclear.

All of Us Research Program, National Institutes of Health
Classification: Uncertain significance for Retinoblastoma. Last evaluated: 2024-03-05. Review status: criteria provided, single submitter. Criteria: ACMG Guidelines, 2015. Collection method: clinical testing. Allele origin: germline. Inheritance: Autosomal dominant inheritance. Observed: 2 variant alleles, 2 heterozygotes.
Comment: This missense variant replaces arginine with lysine at codon 763 of the RB1 protein. Computational prediction suggests that this variant may not impact protein structure and function (internally defined REVEL score threshold <= 0.5, PMID: 27666373). To our knowledge, functional studies have not been reported for this variant. This variant has not been reported in individuals affected with RB1-related disorders in the literature. This variant has not been identified in the general population by the Genome Aggregation Database (gnomAD). The available evidence is insufficient to determine the role of this variant in disease conclusively. Therefore, this variant is classified as a Variant of Uncertain Significance.

This study involves interpretation of variants in research participants for the purpose of population health screening. Participant phenotype was not available at the time of variant classification. Additional details can be found in publication PMID: 35346344, PMCID: PMC8962531

Labcorp Genetics (formerly Invitae), Labcorp
Classification: Uncertain significance for Retinoblastoma. Last evaluated: 2024-02-20. Review status: criteria provided, single submitter. Criteria: Invitae Variant Classification Sherloc (09022015). Collection method: clinical testing. Allele origin: germline.
Comment: This sequence change replaces arginine, which is basic and polar, with lysine, which is basic and polar, at codon 763 of the RB1 protein (p.Arg763Lys). This variant is not present in population databases (gnomAD no frequency). This variant has not been reported in the literature in individuals affected with RB1-related conditions. ClinVar contains an entry for this variant (Variation ID: 1431843). Advanced modeling of protein sequence and biophysical properties (such as structural, functional, and spatial information, amino acid conservation, physicochemical variation, residue mobility, and thermodynamic stability) performed at Invitae indicates that this missense variant is not expected to disrupt RB1 protein function with a negative predictive value of 80%. In summary, the available evidence is currently insufficient to determine the role of this variant in disease. Therefore, it has been classified as a Variant of Uncertain Significance.

NM_000321.3(RB1):c.2288G>A (p.Arg763Lys)

Gene: RB1 (RB transcriptional corepressor 1; plus strand). Cytogenetic location: 13q14.2.
Variant type: single nucleotide variant.
Coding change: c.2288G>A on transcript NM_000321.3 (MANE Select); coding-DNA position 2288, G replaced by A.
Protein change: p.Arg763Lys; replaces arginine 763 with lysine.
Molecular consequence: missense variant.
Genome position (GRCh38, 1-based): chr13:48,465,074, G>A. VCF-style: chr13-48465074-G-A. GRCh37 (hg19) VCF-style: chr13-49039210-G-A.
Other names: short protein forms R763K.
Identifiers: ClinVar variation 1431843 (VCV001431843.13), dbSNP rs2138344904, ClinGen allele CA388167653.